The following is an entry in ClinVar:

NM_015570.4(AUTS2):c.3000C>T (p.His1000=)

Gene: AUTS2 (activator of transcription and developmental regulator AUTS2; plus strand). Cytogenetic location: 7q11.22.
Variant type: single nucleotide variant.
Coding change: c.3000C>T on transcript NM_015570.4 (MANE Select); coding-DNA position 3000, C replaced by T.
Protein change: p.His1000=; no amino-acid change (histidine 1000 retained).
Molecular consequence: synonymous variant.
Genome position (GRCh38, 1-based): chr7:70,790,216, C>T. VCF-style: chr7-70790216-C-T. GRCh37 (hg19) VCF-style: chr7-70255202-C-T.
Other names: c.2928C>T, p.His976= (NM_001127231.3); c.3000C>T (NM_015570.3).
Identifiers: ClinVar variation 1209203 (VCV001209203.9), dbSNP rs888052547, ClinGen allele CA160016276.

ClinVar aggregate classification (germline): Likely benign. Review status: criteria provided, multiple submitters, no conflicts (2 of 4 stars). 3 submissions from 3 submitters: Likely benign (3). Last evaluated 2025-04-25.

Conditions:
AUTS2-related disorder. Also called: AUTS2-related condition.

Allele frequency attached by ClinVar (database versions not stated): gnomAD exomes 0.00001; gnomAD 0.00005 and 0.00006.
gnomAD v4.1: 14 of 1,612,480 alleles (0.00087%); highest among the groups gnomAD compares: Admixed American, 0.018%; no homozygotes.

Submissions (3):

Labcorp Genetics (formerly Invitae), Labcorp
Classification: Likely benign. Last evaluated: 2025-04-25. Review status: criteria provided, single submitter. Criteria: Invitae Variant Classification Sherloc (09022015). Collection method: clinical testing. Allele origin: germline.

PreventionGenetics, part of Exact Sciences
Classification: Likely benign for AUTS2-related condition. Last evaluated: 2024-11-27. Review status: criteria provided, single submitter. Criteria: ACMG Guidelines, 2015. Collection method: clinical testing. Allele origin: germline.
Comment: This variant is classified as likely benign based on ACMG/AMP sequence variant interpretation guidelines (Richards et al. 2015 PMID: 25741868, with internal and published modifications).

GeneDx
Classification: Likely benign. Last evaluated: 2021-05-12. Review status: criteria provided, single submitter. Criteria: GeneDx Variant Classification Process June 2021. Collection method: clinical testing. Allele origin: germline. Affected: yes.